The following is an entry in ClinVar:

ClinVar aggregate classification (germline): Conflicting classifications of pathogenicity. Review status: criteria provided, conflicting classifications (1 of 4 stars). 2 submissions from 2 submitters: Uncertain significance (1); Likely benign (1). Last evaluated 2022-05-26.

Conditions:
Hereditary cancer-predisposing syndrome. Also called: Tumor predisposition; Hereditary neoplastic syndrome; Neoplastic Syndromes, Hereditary; Hereditary Cancer Syndrome. Identifiers: Orphanet 140162, MedGen C0027672, MeSH D009386, MONDO:0015356.
Bloom syndrome (BLM). Also called: Bloom-Torre-Machacek syndrome. Identifiers: Orphanet 125, MedGen C0005859, MONDO:0008876, OMIM 210900.

Submissions (2):

Ambry Genetics
Classification: Likely benign for Hereditary cancer-predisposing syndrome. Last evaluated: 2022-05-26. Review status: criteria provided, single submitter. Criteria: Ambry Variant Classification Scheme 2023. Collection method: clinical testing. Allele origin: germline.

Labcorp Genetics (formerly Invitae), Labcorp
Classification: Uncertain significance for Bloom syndrome. Last evaluated: 2022-02-08. Review status: criteria provided, single submitter. Criteria: Invitae Variant Classification Sherloc (09022015). Collection method: clinical testing. Allele origin: germline.
Comment: In summary, the available evidence is currently insufficient to determine the role of this variant in disease. Therefore, it has been classified as a Variant of Uncertain Significance. Algorithms developed to predict the effect of missense changes on protein structure and function output the following: SIFT: "Tolerated"; PolyPhen-2: "Benign"; Align-GVGD: "Class C0". The arginine amino acid residue is found in multiple mammalian species, which suggests that this missense change does not adversely affect protein function. ClinVar contains an entry for this variant (Variation ID: 959876). This variant has not been reported in the literature in individuals affected with BLM-related conditions. This variant is not present in population databases (gnomAD no frequency). This sequence change replaces glutamine, which is neutral and polar, with arginine, which is basic and polar, at codon 174 of the BLM protein (p.Gln174Arg).

NM_000057.4(BLM):c.521A>G (p.Gln174Arg)

Gene: BLM (BLM RecQ like helicase; plus strand). Cytogenetic location: 15q26.1.
Variant type: single nucleotide variant.
Coding change: c.521A>G on transcript NM_000057.4 (MANE Select); coding-DNA position 521, A replaced by G.
Protein change: p.Gln174Arg; replaces glutamine 174 with arginine.
Molecular consequence: missense variant. On other transcripts: 5 prime UTR variant (1).
Genome position (GRCh38, 1-based): chr15:90,749,789, A>G. VCF-style: chr15-90749789-A-G. GRCh37 (hg19) VCF-style: chr15-91293019-A-G.
Other names: c.521A>G, p.Gln174Arg (NM_001287246.2, NM_001287247.2); c.-771A>G (NM_001287248.2); short protein forms Q174R.
Identifiers: ClinVar variation 959876 (VCV000959876.12), dbSNP rs1895622909, ClinGen allele CA393840966.